The following is an entry in ClinVar:

NM_000441.2(SLC26A4):c.340G>A (p.Gly114Arg)

Gene: SLC26A4 (solute carrier family 26 member 4; plus strand). Cytogenetic location: 7q22.3.
Variant type: single nucleotide variant.
Coding change: c.340G>A on transcript NM_000441.2 (MANE Select); coding-DNA position 340, G replaced by A.
Protein change: p.Gly114Arg; replaces glycine 114 with arginine.
Molecular consequence: missense variant.
Genome position (GRCh38, 1-based): chr7:107,672,173, G>A. VCF-style: chr7-107672173-G-A. GRCh37 (hg19) VCF-style: chr7-107312618-G-A.
Other names: short protein forms G114R.
Identifiers: ClinVar variation 1196044 (VCV001196044.5), dbSNP rs368844392, ClinGen allele CA4432434.

ClinVar aggregate classification (germline): Conflicting classifications of pathogenicity. Review status: criteria provided, conflicting classifications (1 of 4 stars). 3 submissions from 3 submitters: Likely pathogenic (1); Uncertain significance (1). 1 of the submissions does not count toward it. Last evaluated 2024-12-12.

Conditions:
Autosomal recessive nonsyndromic hearing loss 4 (DFNB4). Also called: DEAFNESS, AUTOSOMAL RECESSIVE 4, WITH ENLARGED VESTIBULAR AQUEDUCT, DIGENIC; Nonsyndromic enlarged vestibular aqueduct (NSEVA); Deafness, autosomal recessive 4, with enlarged vestibular aqueduct; Enlarged vestibular aqueduct, digenic; NEUROSENSORY NONSYNDROMIC RECESSIVE DEAFNESS 4; Deafness, autosomal recessive 4. Identifiers: Orphanet 90636, MedGen C3538946, MONDO:0010933, OMIM 600791.
Pendred syndrome (PDS). Also called: GOITER-DEAFNESS SYNDROME; HYPOTHYROIDISM, CONGENITAL, DUE TO DYSHORMONOGENESIS, 2B; Pendred Syndrome (PDS); DEAFNESS WITH GOITER; Pendred's syndrome; THYROID DYSHORMONOGENESIS 2B. Identifiers: Orphanet 705, MedGen C0271829, MONDO:0010134, OMIM 274600.

Allele frequency attached by ClinVar (database versions not stated): ExAC 0.00003; gnomAD exomes 0.00003 and 0.00008; TOPMed 0.00005; gnomAD 0.00007 and 0.00008; ESP Exome Variant Server 0.00008.
gnomAD v4.1: 125 of 1,612,786 alleles (0.0078%); highest among the groups gnomAD compares: Non-Finnish European, 0.0096%; no homozygotes.

Submissions (3):

GeneDx
Classification: Likely pathogenic. Last evaluated: 2024-12-12. Review status: criteria provided, single submitter. Criteria: GeneDx Variant Classification Process June 2021. Collection method: clinical testing. Allele origin: germline. Affected: yes.
Comment: Not observed at significant frequency in large population cohorts (gnomAD); In silico analysis supports that this missense variant has a deleterious effect on protein structure/function; In silico analysis is inconclusive as to whether the variant alters gene splicing. In the absence of RNA/functional studies, the actual effect of this sequence change is unknown.; This variant is associated with the following publications: (PMID: 23151025, 23965030, 27771369, 25394566)

Fulgent Genetics
Classification: Uncertain significance for Pendred syndrome; Autosomal recessive nonsyndromic hearing loss 4. Last evaluated: 2021-11-09. Review status: criteria provided, single submitter. Criteria: ACMG Guidelines, 2015. Collection method: clinical testing. Allele origin: unknown.

Natera, Inc.
Classification: Uncertain significance for Pendred syndrome. Last evaluated: 2020-01-23. Review status: no assertion criteria provided. Collection method: clinical testing. Allele origin: germline. Not counted in ClinVar's aggregate classification.